The following is an entry in ClinVar:

ClinVar aggregate classification (germline): Likely pathogenic (1 of 4 stars; one submission).

Conditions:
Mucopolysaccharidosis type 6 (MPS6). Also called: N-ACETYLGALACTOSAMINE-4-SULFATASE DEFICIENCY; MPS VI; MPS 6; Maroteaux Lamy syndrome; ARSB DEFICIENCY; ARYLSULFATASE B DEFICIENCY. Identifiers: Orphanet 583, MedGen C0026709, MONDO:0009661, OMIM 253200.

Submission:

Laboratory of Diagnosis and Therapy of Lysosomal Disorders, University of Padova
Classification: Likely pathogenic for Mucopolysaccharidosis type 6. Last evaluated: 2018-01-01. Review status: criteria provided, single submitter. Criteria: ACMG Guidelines, 2015. Collection method: curation. Allele origin: germline. Affected: yes.
Comment: In vitro functional studies supportive of a damaging effect on the gene product (low to no ARSB activity in homozygotes; PS3); Absent from GnomAD (PM2);

Literature cited by the submitters: PubMed 24262793; PubMed 30118150.

NM_000046.5(ARSB):c.176A>T (p.Asp59Val)

Genes: ARSB (arylsulfatase B; minus strand), LOC129994126 (ATAC-STARR-seq lymphoblastoid silent region 16127; plus strand). Cytogenetic location: 5q14.1.
Variant type: single nucleotide variant.
Coding change: c.176A>T on transcript NM_000046.5 (MANE Select); coding-DNA position 176, A replaced by T.
Protein change: p.Asp59Val; replaces aspartic acid 59 with valine.
Molecular consequence: missense variant.
Genome position (GRCh38, 1-based): chr5:78,985,073, T>A on the plus strand (A>T on the coding strand, the complement: ARSB is on the minus strand). VCF-style: chr5-78985073-T-A. GRCh37 (hg19) VCF-style: chr5-78280896-T-A.
Other names: c.176A>T, p.Asp59Val (NM_198709.3); short protein forms D59V.
Identifiers: ClinVar variation 559734 (VCV000559734.1), dbSNP rs1179935748, ClinGen allele CA360196852.